The following is an entry in ClinVar:

ClinVar aggregate classification (germline): Uncertain significance (1 of 4 stars; one submission).

Conditions:
Cardiovascular phenotype. Identifiers: MedGen CN230736.

Allele frequency attached by ClinVar (database versions not stated): TOPMed 0.00002; gnomAD 0.00002.
gnomAD v4.1: 5 of 1,613,540 alleles (0.00031%); highest among the groups gnomAD compares: African/African-American, 0.0067%; no homozygotes.

Submission:

Ambry Genetics
Classification: Uncertain significance for Cardiovascular phenotype. Last evaluated: 2025-05-20. Review status: criteria provided, single submitter. Criteria: Ambry Variant Classification Scheme 2023. Collection method: clinical testing. Allele origin: germline.
Comment: The p.A45T variant (also known as c.133G>A), located in coding exon 1 of the TBX5 gene, results from a G to A substitution at nucleotide position 133. The alanine at codon 45 is replaced by threonine, an amino acid with similar properties. This amino acid position is well conserved in available vertebrate species. In addition, this alteration is predicted to be tolerated by in silico analysis. Based on the available evidence, the clinical significance of this variant remains unclear.

NM_181486.4(TBX5):c.133G>A (p.Ala45Thr)

Gene: TBX5 (T-box transcription factor 5; minus strand). Cytogenetic location: 12q24.21.
Variant type: single nucleotide variant.
Coding change: c.133G>A on transcript NM_181486.4 (MANE Select); coding-DNA position 133, G replaced by A.
Protein change: p.Ala45Thr; replaces alanine 45 with threonine.
Molecular consequence: missense variant. On other transcripts: intron variant (1).
Genome position (GRCh38, 1-based): chr12:114,403,766, C>T on the plus strand (G>A on the coding strand, the complement: TBX5 is on the minus strand). VCF-style: chr12-114403766-C-T. GRCh37 (hg19) VCF-style: chr12-114841571-C-T.
Other names: c.133G>A, p.Ala45Thr (NM_000192.3); c.-3-1846G>A (NM_080717.4); short protein forms A45T.
Identifiers: ClinVar variation 1770326 (VCV001770326.3), dbSNP rs942514260, ClinGen allele CA244132183.